The following is an entry in ClinVar:

ClinVar aggregate classification (germline): Uncertain significance (1 of 4 stars; one submission).

Conditions:
Immunodeficiency 104. Also called: Severe Combined Immune Deficiency, Autosomal Recessive, TCell -Negative, B Cell-Positive, NK Cell-Positive, IL7R-Related; SCID, AUTOSOMAL RECESSIVE, T CELL-NEGATIVE, B CELL-POSITIVE, NK CELL-POSITIVE; Severe combined immunodeficiency, autosomal recessive, T cell-negative, B cell-positive, NK cell-positive; IMMUNODEFICIENCY 104, SEVERE COMBINED. Identifiers: MedGen C5676890, MONDO:0012163, OMIM 608971.

Submission:

Labcorp Genetics (formerly Invitae), Labcorp
Classification: Uncertain significance for Immunodeficiency 104. Last evaluated: 2022-03-26. Review status: criteria provided, single submitter. Criteria: Invitae Variant Classification Sherloc (09022015). Collection method: clinical testing. Allele origin: germline.
Comment: In summary, the available evidence is currently insufficient to determine the role of this variant in disease. Therefore, it has been classified as a Variant of Uncertain Significance. Variants that disrupt the consensus splice site are a relatively common cause of aberrant splicing (PMID: 17576681, 9536098). Algorithms developed to predict the effect of sequence changes on RNA splicing suggest that this variant may disrupt the consensus splice site. This variant has not been reported in the literature in individuals affected with PTPRC-related conditions. This variant is not present in population databases (gnomAD no frequency). This sequence change affects a donor splice site in intron 32 of the PTPRC gene. While this variant is not anticipated to result in nonsense mediated decay, it likely alters RNA splicing and results in a disrupted protein product.

Literature cited by the submitters: PubMed 17576681; PubMed 9536098.

NM_002838.5(PTPRC):c.3645+2T>G

Gene: PTPRC (protein tyrosine phosphatase receptor type C; plus strand). Cytogenetic location: 1q32.1.
Variant type: single nucleotide variant.
Coding change: c.3645+2T>G on transcript NM_002838.5 (MANE Select); the canonical splice donor site of the intron after coding-DNA position 3645, T replaced by G.
Molecular consequence: splice donor variant.
Genome position (GRCh38, 1-based): chr1:198,754,406, T>G. VCF-style: chr1-198754406-T-G. GRCh37 (hg19) VCF-style: chr1-198723535-T-G.
Other names: c.3162+2T>G (NM_080921.4).
Identifiers: ClinVar variation 2115329 (VCV002115329.4), dbSNP rs2528059344, ClinGen allele CA344055831.